The following is an entry in ClinVar:

ClinVar aggregate classification (germline): Uncertain significance (1 of 4 stars; one submission).

Conditions:
Autosomal dominant limb-girdle muscular dystrophy type 1F (LGMDD2). Also called: Limb-girdle muscular dystrophy, type 1F; MUSCULAR DYSTROPHY, LIMB-GIRDLE, AUTOSOMAL DOMINANT 2. Identifiers: Orphanet 55595, MedGen C1842062, MONDO:0012034, OMIM 608423.

Submission:

Labcorp Genetics (formerly Invitae), Labcorp
Classification: Uncertain significance for Autosomal dominant limb-girdle muscular dystrophy type 1F. Last evaluated: 2025-05-08. Review status: criteria provided, single submitter. Criteria: Invitae Variant Classification Sherloc (09022015). Collection method: clinical testing. Allele origin: germline.
Comment: This sequence change replaces isoleucine, which is neutral and non-polar, with valine, which is neutral and non-polar, at codon 638 of the TNPO3 protein (p.Ile638Val). This variant is not present in population databases (gnomAD no frequency). This variant has not been reported in the literature in individuals affected with TNPO3-related conditions. Invitae Evidence Modeling of protein sequence and biophysical properties (such as structural, functional, and spatial information, amino acid conservation, physicochemical variation, residue mobility, and thermodynamic stability) indicates that this missense variant is not expected to disrupt TNPO3 protein function with a negative predictive value of 80%. In summary, the available evidence is currently insufficient to determine the role of this variant in disease. Therefore, it has been classified as a Variant of Uncertain Significance.

NM_012470.4(TNPO3):c.1912A>G (p.Ile638Val)

Gene: TNPO3 (transportin 3; minus strand). Cytogenetic location: 7q32.1.
Variant type: single nucleotide variant.
Coding change: c.1912A>G on transcript NM_012470.4 (MANE Select); coding-DNA position 1912, A replaced by G.
Protein change: p.Ile638Val; replaces isoleucine 638 with valine.
Molecular consequence: missense variant. On other transcripts: non-coding transcript variant (14).
Genome position (GRCh38, 1-based): chr7:128,979,979, T>C on the plus strand (A>G on the coding strand, the complement: TNPO3 is on the minus strand). VCF-style: chr7-128979979-T-C. GRCh37 (hg19) VCF-style: chr7-128620033-T-C.
Other names: c.1720A>G, p.Ile574Val (NM_001191028.3, NM_001382223.1); c.2014A>G, p.Ile672Val (NM_001382216.1); c.1993A>G, p.Ile665Val (NM_001382217.1); c.1912A>G, p.Ile638Val (NM_001382218.1, NM_001382220.1); c.1804A>G, p.Ile602Val (NM_001382219.1); c.1768A>G, p.Ile590Val (NM_001382221.1); c.1765A>G, p.Ile589Val (NM_001382222.1); short protein forms I574V, I589V, I590V, I602V, I638V, I665V, I672V.
Identifiers: ClinVar variation 4797623 (VCV004797623.1).
Genomic context (GRCh38, chr7:128,979,979, plus strand): 5'-GTAAGGAAAAAAGAAGCAAGCCTTGATTCCACAAGCATCCATTAGCACTTACTTCCTGTA[T>C]GACTTTCTGACACGGATGAGTCTGTCCATTTTCCACAATGGGATTGGTATGCCTGGGAAA-3'
Protein context (NP_036602.1, residues 628-648): NGQTHPCQKV[Ile638Val]QEIWPVLSET